The following is an entry in ClinVar:

ClinVar aggregate classification (germline): Uncertain significance. Review status: criteria provided, multiple submitters, no conflicts (2 of 4 stars). 2 submissions from 2 submitters: Uncertain significance (2). Last evaluated 2025-08-29.

Allele frequency attached by ClinVar (database versions not stated): TOPMed below 0.00001; gnomAD 0.00002; gnomAD exomes 0.00002; ExAC 0.00004.
gnomAD v4.1: 33 of 1,614,022 alleles (0.002%); highest among the groups gnomAD compares: South Asian, 0.033%; 1 homozygote.

Submissions (2):

Ambry Genetics
Classification: Uncertain significance. Last evaluated: 2025-08-29. Review status: criteria provided, single submitter. Criteria: Ambry Variant Classification Scheme 2023. Collection method: clinical testing. Allele origin: germline.

Labcorp Genetics (formerly Invitae), Labcorp
Classification: Uncertain significance. Last evaluated: 2023-10-18. Review status: criteria provided, single submitter. Criteria: Invitae Variant Classification Sherloc (09022015). Collection method: clinical testing. Allele origin: germline.
Comment: This sequence change replaces proline, which is neutral and non-polar, with leucine, which is neutral and non-polar, at codon 339 of the PLTP protein (p.Pro339Leu). This variant is present in population databases (rs577684935, gnomAD 0.02%). This variant has not been reported in the literature in individuals affected with PLTP-related conditions. An algorithm developed to predict the effect of missense changes on protein structure and function (PolyPhen-2) suggests that this variant is likely to be tolerated. In summary, the available evidence is currently insufficient to determine the role of this variant in disease. Therefore, it has been classified as a Variant of Uncertain Significance.

NM_006227.4(PLTP):c.1016C>T (p.Pro339Leu)

Gene: PLTP (phospholipid transfer protein; minus strand). Cytogenetic location: 20q13.12.
Variant type: single nucleotide variant.
Coding change: c.1016C>T on transcript NM_006227.4 (MANE Select); coding-DNA position 1016, C replaced by T.
Protein change: p.Pro339Leu; replaces proline 339 with leucine.
Molecular consequence: missense variant.
Genome position (GRCh38, 1-based): chr20:45,902,531, G>A on the plus strand (C>T on the coding strand, the complement: PLTP is on the minus strand). VCF-style: chr20-45902531-G-A. GRCh37 (hg19) VCF-style: chr20-44531170-G-A.
Other names: c.731C>T, p.Pro244Leu (NM_001242920.2); c.752C>T, p.Pro251Leu (NM_001242921.1); c.860C>T, p.Pro287Leu (NM_182676.3); c.1016C>T (NM_006227.3); short protein forms P339L, P287L, P244L, P251L.
Identifiers: ClinVar variation 2988371 (VCV002988371.4), dbSNP rs577684935, ClinGen allele CA9883640.